The following is an entry in ClinVar:

ClinVar aggregate classification (germline): Uncertain significance. Review status: criteria provided, multiple submitters, no conflicts (2 of 4 stars). 4 submissions from 4 submitters: Uncertain significance (4). Last evaluated 2024-11-10.

Conditions:
Rienhoff syndrome. Also called: LOEYS-DIETZ SYNDROME 5. Identifiers: MedGen C3810012, MONDO:0014262, OMIM 615582.
Familial thoracic aortic aneurysm and aortic dissection (TAAD). Also called: Thoracic aortic aneurysms and dissections. Identifiers: Orphanet 91387, MedGen C4707243, MONDO:0019625.

Submissions (4):

Labcorp Genetics (formerly Invitae), Labcorp
Classification: Uncertain significance for Rienhoff syndrome. Last evaluated: 2024-11-10. Review status: criteria provided, single submitter. Criteria: Invitae Variant Classification Sherloc (09022015). Collection method: clinical testing. Allele origin: germline.
Comment: This sequence change replaces arginine, which is basic and polar, with tryptophan, which is neutral and slightly polar, at codon 52 of the TGFB3 protein (p.Arg52Trp). This variant is not present in population databases (gnomAD no frequency). This variant has not been reported in the literature in individuals affected with TGFB3-related conditions. ClinVar contains an entry for this variant (Variation ID: 1676437). Invitae Evidence Modeling of protein sequence and biophysical properties (such as structural, functional, and spatial information, amino acid conservation, physicochemical variation, residue mobility, and thermodynamic stability) has been performed for this missense variant. However, the output from this modeling did not meet the statistical confidence thresholds required to predict the impact of this variant on TGFB3 protein function. In summary, the available evidence is currently insufficient to determine the role of this variant in disease. Therefore, it has been classified as a Variant of Uncertain Significance.

GeneDx
Classification: Uncertain significance. Last evaluated: 2023-12-10. Review status: criteria provided, single submitter. Criteria: GeneDx Variant Classification Process June 2021. Collection method: clinical testing. Allele origin: germline. Affected: yes.
Comment: In silico analysis supports that this missense variant has a deleterious effect on protein structure/function; Not observed at significant frequency in large population cohorts (gnomAD); Has not been previously published as pathogenic or benign to our knowledge

Ambry Genetics
Classification: Uncertain significance for Familial thoracic aortic aneurysm and aortic dissection. Last evaluated: 2023-02-01. Review status: criteria provided, single submitter. Criteria: Ambry Variant Classification Scheme 2023. Collection method: clinical testing. Allele origin: germline.
Comment: The p.R52W variant (also known as c.154A>T), located in coding exon 1 of the TGFB3 gene, results from an A to T substitution at nucleotide position 154. The arginine at codon 52 is replaced by tryptophan, an amino acid with dissimilar properties. This amino acid position is well conserved in available vertebrate species. In addition, the in silico prediction for this alteration is inconclusive. Since supporting evidence is limited at this time, the clinical significance of this alteration remains unclear.

Greenwood Genetic Center Diagnostic Laboratories, Greenwood Genetic Center
Classification: Uncertain significance. Last evaluated: 2022-02-10. Review status: criteria provided, single submitter. Criteria: ACMG Guidelines, 2015. Collection method: clinical testing. Allele origin: germline. Affected: yes.
Comment: PM2

NM_003239.5(TGFB3):c.154A>T (p.Arg52Trp)

Gene: TGFB3 (transforming growth factor beta 3; minus strand). Cytogenetic location: 14q24.3.
Variant type: single nucleotide variant.
Coding change: c.154A>T on transcript NM_003239.5 (MANE Select); coding-DNA position 154, A replaced by T.
Protein change: p.Arg52Trp; replaces arginine 52 with tryptophan.
Molecular consequence: missense variant.
Genome position (GRCh38, 1-based): chr14:75,980,740, T>A on the plus strand (A>T on the coding strand, the complement: TGFB3 is on the minus strand). VCF-style: chr14-75980740-T-A. GRCh37 (hg19) VCF-style: chr14-76447083-T-A.
Other names: c.154A>T, p.Arg52Trp (NM_001329938.2, NM_001329939.2); short protein forms R52W.
Identifiers: ClinVar variation 1676437 (VCV001676437.12), dbSNP rs1441479444, ClinGen allele CA390471536.
Genomic context (GRCh38, chr14:75,980,740, plus strand): 5'-GGGCCAGGACCTGATAGGGGACGTGGGTCATCACCGTTGGCTCAGGGGGGCTGGTGAGCC[T>A]GAGCTTGCTCAAGATCTGTCCCCTAATGGCTTCCACCCTCTTCTTCTTGATGTGGCCGAA-3'
Protein context (NP_003230.1, residues 42-62): AIRGQILSKL[Arg52Trp]LTSPPEPTVM